The following is an entry in ClinVar:

ClinVar aggregate classification (germline): Uncertain significance (1 of 4 stars; one submission).

Submission:

Labcorp Genetics (formerly Invitae), Labcorp
Classification: Uncertain significance. Last evaluated: 2024-04-08. Review status: criteria provided, single submitter. Criteria: Invitae Variant Classification Sherloc (09022015). Collection method: clinical testing. Allele origin: germline.
Comment: This sequence change replaces aspartic acid, which is acidic and polar, with valine, which is neutral and non-polar, at codon 31 of the PCDH15 protein (p.Asp31Val). This variant is not present in population databases (gnomAD no frequency). This variant has not been reported in the literature in individuals affected with PCDH15-related conditions. An algorithm developed to predict the effect of missense changes on protein structure and function (PolyPhen-2) suggests that this variant is likely to be disruptive. In summary, the available evidence is currently insufficient to determine the role of this variant in disease. Therefore, it has been classified as a Variant of Uncertain Significance.

NM_001384140.1(PCDH15):c.92A>T (p.Asp31Val)

Genes: PCDH15 (protocadherin related 15; minus strand), LOC105378311 (uncharacterized LOC105378311; plus strand). Cytogenetic location: 10q21.1.
Variant type: single nucleotide variant.
Coding change: c.92A>T on transcript NM_001384140.1 (MANE Select); coding-DNA position 92, A replaced by T.
Protein change: p.Asp31Val; replaces aspartic acid 31 with valine.
Molecular consequence: missense variant. On other transcripts: intron variant (3).
Genome position (GRCh38, 1-based): chr10:54,527,877, T>A on the plus strand (A>T on the coding strand, the complement: PCDH15 is on the minus strand). VCF-style: chr10-54527877-T-A. GRCh37 (hg19) VCF-style: chr10-56287637-T-A.
Other names: c.107A>T, p.Asp36Val (NM_001142763.2, NM_001142769.4, NM_001142771.2); c.92A>T, p.Asp31Val (NM_001142764.2, NM_001142765.2, NM_001142766.2 and 8 more transcripts); c.91+136295A>T (NM_001354404.2, NM_001142773.2, NM_001142768.2); short protein forms D31V, D36V.
Identifiers: ClinVar variation 2730733 (VCV002730733.3), dbSNP rs2548745397, ClinGen allele CA376541511.
Genomic context (GRCh38, chr10:54,527,877, plus strand): 5'-CGACTTTCTTCATCAATAGCAACTATGGTAGCTGGTGGTCCTCCCCTAGCTAGTTTGCAA[T>A]CTAAAGAGAGAAAATAACCAAAAGTAATAATTGACTGCAGGGGCACACACAATGAGAAAA-3'
Protein context (NP_001371069.1, residues 21-41): FEICLGQYDD[Asp31Val]CKLARGGPPA